The following is an entry in ClinVar:

NM_000245.4(MET):c.2214C>T (p.Tyr738=)

Gene: MET (MET proto-oncogene, receptor tyrosine kinase; plus strand). Cytogenetic location: 7q31.2.
Variant type: single nucleotide variant.
Coding change: c.2214C>T on transcript NM_000245.4 (MANE Select); coding-DNA position 2214, C replaced by T.
Protein change: p.Tyr738=; no amino-acid change (tyrosine 738 retained).
Molecular consequence: synonymous variant.
Genome position (GRCh38, 1-based): chr7:116,758,570, C>T. VCF-style: chr7-116758570-C-T. GRCh37 (hg19) VCF-style: chr7-116398624-C-T.
Other names: c.2214C>T, p.Tyr738= (NM_001127500.3, NM_001324401.3); c.924C>T, p.Tyr308= (NM_001324402.2).
Identifiers: ClinVar variation 2453412 (VCV002453412.8), dbSNP rs777367882, ClinGen allele CA4448424.

ClinVar aggregate classification (germline): Benign/Likely benign. Review status: criteria provided, multiple submitters, no conflicts (2 of 4 stars). 4 submissions from 4 submitters: Benign (1); Likely benign (3). Last evaluated 2025-03-04.

Conditions:
Renal cell carcinoma. Identifiers: Orphanet 217071, MedGen C0007134, MeSH D002292, MONDO:0005086, HP:0005584.
Papillary renal cell carcinoma type 1 (RCCP1). Also called: Renal adenocarcinoma; Renal cell carcinoma 1; RENAL CELL CARCINOMA, PAPILLARY, 1, SOMATIC; Renal cell carcinoma, somatic. Identifiers: Orphanet 47044, MedGen C1336839, OMIM 605074, HP:0011797.
Hereditary cancer-predisposing syndrome. Also called: Neoplastic Syndromes, Hereditary; Tumor predisposition; Hereditary neoplastic syndrome; Hereditary Cancer Syndrome. Identifiers: Orphanet 140162, MedGen C0027672, MeSH D009386, MONDO:0015356.

Allele frequency attached by ClinVar (database versions not stated): gnomAD exomes 0.00001; ExAC 0.00002.
gnomAD v4.1: 5 of 1,613,606 alleles (0.00031%); highest among the groups gnomAD compares: Non-Finnish European, 0.00042%; no homozygotes.

Submissions (4):

Center for Genomic Medicine, Rigshospitalet, Copenhagen University Hospital
Classification: Likely benign. Last evaluated: 2025-03-04. Review status: criteria provided, single submitter. Criteria: ACMG Guidelines, 2015. Collection method: clinical testing. Allele origin: germline.

Myriad Genetics, Inc.
Classification: Benign for Papillary renal cell carcinoma type 1. Last evaluated: 2024-11-08. Review status: criteria provided, single submitter. Criteria: Myriad Autosomal Dominant, Autosomal Recessive and X-Linked Classification Criteria (2023). Collection method: clinical testing. Allele origin: unknown.
Comment: This variant is considered benign. This variant is a silent/synonymous amino acid change and it is not expected to impact splicing.

Labcorp Genetics (formerly Invitae), Labcorp
Classification: Likely benign for Renal cell carcinoma. Last evaluated: 2023-03-01. Review status: criteria provided, single submitter. Criteria: Invitae Variant Classification Sherloc (09022015). Collection method: clinical testing. Allele origin: germline.

Ambry Genetics
Classification: Likely benign for Hereditary cancer-predisposing syndrome. Last evaluated: 2023-02-04. Review status: criteria provided, single submitter. Criteria: Ambry Variant Classification Scheme 2023. Collection method: clinical testing. Allele origin: germline.